The following is an entry in ClinVar:

NM_006397.3(RNASEH2A):c.73C>T (p.Arg25Cys)

Genes: RNASEH2A (ribonuclease H2 subunit A; plus strand), LOC117038795 (CRISPRi-FlowFISH-validated PRDX2 regulatory element 4; plus strand). Cytogenetic location: 19p13.13.
Variant type: single nucleotide variant.
Coding change: c.73C>T on transcript NM_006397.3 (MANE Select); coding-DNA position 73, C replaced by T.
Protein change: p.Arg25Cys; replaces arginine 25 with cysteine.
Molecular consequence: missense variant.
Genome position (GRCh38, 1-based): chr19:12,806,746, C>T. VCF-style: chr19-12806746-C-T. GRCh37 (hg19) VCF-style: chr19-12917560-C-T.
Other names: short protein forms R25C.
Identifiers: ClinVar variation 842112 (VCV000842112.7), dbSNP rs546042666, ClinGen allele CA305492134.

ClinVar aggregate classification (germline): Uncertain significance (1 of 4 stars; one submission).

Conditions:
Aicardi-Goutieres syndrome 4. Identifiers: Orphanet 51, MedGen C1835912, MONDO:0012472, OMIM 610333.

Allele frequency attached by ClinVar (database versions not stated): gnomAD exomes 0.00001.

Submission:

Labcorp Genetics (formerly Invitae), Labcorp
Classification: Uncertain significance for Aicardi-Goutieres syndrome 4. Last evaluated: 2021-08-31. Review status: criteria provided, single submitter. Criteria: Invitae Variant Classification Sherloc (09022015). Collection method: clinical testing. Allele origin: germline.
Comment: This sequence change replaces arginine with cysteine at codon 25 of the RNASEH2A protein (p.Arg25Cys). The arginine residue is weakly conserved and there is a large physicochemical difference between arginine and cysteine. This variant is not present in population databases (ExAC no frequency). This variant has not been reported in the literature in individuals affected with RNASEH2A-related conditions. Algorithms developed to predict the effect of missense changes on protein structure and function output the following: SIFT: "Deleterious"; PolyPhen-2: "Benign"; Align-GVGD: "Class C0". The cysteine amino acid residue is found in multiple mammalian species, which suggests that this missense change does not adversely affect protein function. In summary, the available evidence is currently insufficient to determine the role of this variant in disease. Therefore, it has been classified as a Variant of Uncertain Significance.